The following is an entry in ClinVar:

NM_007294.4(BRCA1):c.2143dup (p.Thr715fs)

Gene: BRCA1 (BRCA1 DNA repair associated; minus strand). Cytogenetic location: 17q21.31.
Variant type: Duplication.
Coding change: c.2143dup on transcript NM_007294.4 (MANE Select); coding-DNA position 2143, one base duplicated (A; older notation c.2143dupA).
Protein change: p.Thr715fs; shifts the reading frame from threonine 715.
Molecular consequence: frameshift variant. On other transcripts: intron variant (137).
Genome position (GRCh38, 1-based): chr17:43,093,388, T duplicated on the plus strand (A on the coding strand, the reverse complement: BRCA1 is on the minus strand). VCF-style (leftmost placement, unchanged base first): chr17-43093387-G-GT. GRCh37 (hg19) VCF-style: chr17-41245404-G-GT.
Other names: c.2065dup, p.Thr689fs (NM_001407663.1, NM_001407653.1, NM_001407654.1 and 4 more transcripts); c.2020dup, p.Thr674fs (NM_001407664.1, NM_001407665.1, NM_001407666.1 and 19 more transcripts); c.2017dup, p.Thr673fs (NM_001407670.1, NM_001407671.1, NM_001407672.1 and 11 more transcripts); c.2143dup, p.Thr715fs (NM_001407684.1, NM_001407854.1, NM_001407858.1 and 30 more transcripts); c.2002dup, p.Thr668fs (NM_001407692.1, NM_001407694.1, NM_001407695.1 and 29 more transcripts); c.1999dup, p.Thr667fs (NM_001407740.1, NM_001407741.1, NM_001407742.1 and 20 more transcripts); c.1933dup, p.Thr645fs (NM_001407909.1, NM_001407910.1, NM_001407879.1 and 13 more transcripts); c.1930dup, p.Thr644fs (NM_001407915.1, NM_001407916.1, NM_001407917.1 and 9 more transcripts); and 41 more; short protein forms T419fs, T547fs, T587fs, T588fs, T603fs, T604fs, T626fs, T627fs.
Identifiers: ClinVar variation 3379261 (VCV003379261.1).

ClinVar aggregate classification (germline): Pathogenic (1 of 4 stars; one submission).

Conditions:
Breast-ovarian cancer, familial, susceptibility to, 1 (BROVCA1). Also called: BRCA1 Hereditary Breast and Ovarian Cancer; OVARIAN CANCER, SUSCEPTIBILITY TO. Identifiers: Orphanet 145, MedGen C2676676, MONDO:0011450, OMIM 604370. Disease mechanism: loss of function.

Submission:

Myriad Genetics, Inc.
Classification: Pathogenic for Breast-ovarian cancer, familial, susceptibility to, 1. Last evaluated: 2024-08-06. Review status: criteria provided, single submitter. Criteria: Myriad Autosomal Dominant, Autosomal Recessive and X-Linked Classification Criteria (2023). Collection method: clinical testing. Allele origin: unknown.
Comment: This variant is considered pathogenic. This variant creates a frameshift predicted to result in premature protein truncation.